The following is an entry in ClinVar:

ClinVar aggregate classification (germline): Uncertain significance (1 of 4 stars; one submission).

Conditions:
Myopathy, proximal, and ophthalmoplegia (CMYO6). Also called: MYOPATHY WITH CONGENITAL JOINT CONTRACTURES, OPHTHALMOPLEGIA, AND RIMMED VACUOLES; INCLUSION BODY MYOPATHY 3, AUTOSOMAL DOMINANT; CONGENITAL MYOPATHY 6 WITH OPHTHALMOPLEGIA. Identifiers: Orphanet 363677, Orphanet 79091, MedGen C1854106, MONDO:0011577, OMIM 605637.

Allele frequency attached by ClinVar (database versions not stated): gnomAD exomes below 0.00001.
gnomAD v4.1: 2 of 1,614,206 alleles (0.00012%); highest among the groups gnomAD compares: Non-Finnish European, 0.00017%; no homozygotes.

Submission:

Labcorp Genetics (formerly Invitae), Labcorp
Classification: Uncertain significance for Myopathy, proximal, and ophthalmoplegia. Last evaluated: 2022-06-11. Review status: criteria provided, single submitter. Criteria: Invitae Variant Classification Sherloc (09022015). Collection method: clinical testing. Allele origin: germline.
Comment: In summary, the available evidence is currently insufficient to determine the role of this variant in disease. Therefore, it has been classified as a Variant of Uncertain Significance. Algorithms developed to predict the effect of missense changes on protein structure and function are either unavailable or do not agree on the potential impact of this missense change (SIFT: "Deleterious"; PolyPhen-2: "Possibly Damaging"; Align-GVGD: "Class C15"). This variant has not been reported in the literature in individuals affected with MYH2-related conditions. This variant is not present in population databases (gnomAD no frequency). This sequence change replaces asparagine, which is neutral and polar, with aspartic acid, which is acidic and polar, at codon 1685 of the MYH2 protein (p.Asn1685Asp).

NM_017534.6(MYH2):c.5053A>G (p.Asn1685Asp)

Genes: MYH2 (myosin heavy chain 2; minus strand), MYHAS (myosin heavy chain gene cluster antisense RNA; plus strand), LOC126862500 (BRD4-independent group 4 enhancer GRCh37_chr17:10427829-10429028; plus strand). Cytogenetic location: 17p13.1.
Variant type: single nucleotide variant.
Coding change: c.5053A>G on transcript NM_017534.6 (MANE Select); coding-DNA position 5053, A replaced by G.
Protein change: p.Asn1685Asp; replaces asparagine 1685 with aspartic acid.
Molecular consequence: missense variant.
Genome position (GRCh38, 1-based): chr17:10,524,588, T>C on the plus strand (A>G on the coding strand, the complement: MYH2 is on the minus strand). VCF-style: chr17-10524588-T-C. GRCh37 (hg19) VCF-style: chr17-10427905-T-C.
Other names: c.5053A>G, p.Asn1685Asp (NM_001100112.2); short protein forms N1685D.
Identifiers: ClinVar variation 1983151 (VCV001983151.4), dbSNP rs2073325119, ClinGen allele CA398119575.
Genomic context (GRCh38, chr17:10,524,588, plus strand): 5'-TGCTCCTCTCTGTCTGTTCCAGAGTGGCCCGCAGCTCCTCGATCTCAGCCTGCAGCAGGT[T>C]GGCTCTGCGCTCCACCATGGCCAGCTGTTCCTTCAGGTCCTCCTGGCTCCGGAGAGCATC-3'
Protein context (NP_060004.3, residues 1675-1695): EQLAMVERRA[Asn1685Asp]LLQAEIEELR